The following is an entry in ClinVar:

NM_000266.4(NDP):c.370C>T (p.Leu124Phe)

Genes: NDP-AS1 (NDP antisense RNA 1; plus strand), NDP (norrin cystine knot growth factor NDP; minus strand). Cytogenetic location: Xp11.3.
Variant type: single nucleotide variant.
Coding change: c.370C>T on transcript NM_000266.4 (MANE Select); coding-DNA position 370, C replaced by T.
Protein change: p.Leu124Phe; replaces leucine 124 with phenylalanine.
Molecular consequence: missense variant. On other transcripts: non-coding transcript variant (1).
Genome position (GRCh38, 1-based): chrX:43,949,831, G>A on the plus strand (C>T on the coding strand, the complement: NDP is on the minus strand). VCF-style: chrX-43949831-G-A. GRCh37 (hg19) VCF-style: chrX-43809077-G-A.
Other names: short protein forms L124F.
Identifiers: ClinVar variation 10684 (VCV000010684.6), dbSNP rs28933684, ClinGen allele CA255471.

ClinVar aggregate classification (germline): Pathogenic. Review status: criteria provided, single submitter (1 of 4 stars). 2 submissions from 2 submitters: Pathogenic (1). 1 of the submissions does not count toward it. Last evaluated 2023-04-27.

Conditions:
Exudative vitreoretinopathy 2, X-linked. Also called: NDP-Related Familial Exudative Vitreoretinopathy (FEVR); Familial exudative vitreoretinopathy, X-linked; EXUDATIVE VITREORETINOPATHY, FAMILIAL, 2; FEVR, X-LINKED. Identifiers: Orphanet 891, MedGen C1844579, MONDO:0010588, OMIM 305390.

Submissions (2):

Labcorp Genetics (formerly Invitae), Labcorp
Classification: Pathogenic. Last evaluated: 2023-04-27. Review status: criteria provided, single submitter. Criteria: Invitae Variant Classification Sherloc (09022015). Collection method: clinical testing. Allele origin: germline.
Comment: For these reasons, this variant has been classified as Pathogenic. Advanced modeling of protein sequence and biophysical properties (such as structural, functional, and spatial information, amino acid conservation, physicochemical variation, residue mobility, and thermodynamic stability) has been performed at Invitae for this missense variant, however the output from this modeling did not meet the statistical confidence thresholds required to predict the impact of this variant on NDP protein function. ClinVar contains an entry for this variant (Variation ID: 10684). This missense change has been observed in individual(s) with familial exudative vitreoretinopathy (PMID: 8252044). It has also been observed to segregate with disease in related individuals. This variant is not present in population databases (gnomAD no frequency). This sequence change replaces leucine, which is neutral and non-polar, with phenylalanine, which is neutral and non-polar, at codon 124 of the NDP protein (p.Leu124Phe).

OMIM
Classification: Pathogenic for EXUDATIVE VITREORETINOPATHY 2, X-LINKED. Last evaluated: 1993-10-01. Review status: no assertion criteria provided. Collection method: literature only. Allele origin: germline. Not counted in ClinVar's aggregate classification.

Literature cited by the submitters: PubMed 8252044 (cited by Labcorp Genetics (formerly Invitae), Labcorp and OMIM); PubMed 95062 (cited by OMIM); PubMed 8457509 (cited by OMIM).